The following is an entry in ClinVar:

NM_020822.3(KCNT1):c.1281G>T (p.Gln427His)

Gene: KCNT1 (potassium sodium-activated channel subfamily T member 1; plus strand). Cytogenetic location: 9q34.3.
Variant type: single nucleotide variant.
Coding change: c.1281G>T on transcript NM_020822.3 (MANE Select); coding-DNA position 1281, G replaced by T.
Protein change: p.Gln427His; replaces glutamine 427 with histidine.
Molecular consequence: missense variant.
Genome position (GRCh38, 1-based): chr9:135,765,704, G>T. VCF-style: chr9-135765704-G-T. GRCh37 (hg19) VCF-style: chr9-138657550-G-T.
Other names: c.1146G>T, p.Gln382His (NM_001272003.2); short protein forms Q382H, Q427H.
Identifiers: ClinVar variation 2948630 (VCV002948630.3), dbSNP rs2490908752, ClinGen allele CA375501532.

ClinVar aggregate classification (germline): Uncertain significance (1 of 4 stars; one submission).

Conditions:
Autosomal dominant nocturnal frontal lobe epilepsy 5. Also called: Epilepsy, nocturnal frontal lobe, 5; CILIARY DYSKINESIA, PRIMARY, 28, WITHOUT SITUS INVERSUS; CILIARY DYSKINESIA, PRIMARY, 28, WITH SITUS INVERSUS; KCNT1-Related Epilepsy. Identifiers: Orphanet 98784, MedGen C3554306, MONDO:0014002, OMIM 615005.
Developmental and epileptic encephalopathy, 14 (DEE14). Also called: Early infantile epileptic encephalopathy 14. Identifiers: Orphanet 293181, MedGen C3554195, MONDO:0013989, OMIM 614959.

Submission:

Labcorp Genetics (formerly Invitae), Labcorp
Classification: Uncertain significance for Autosomal dominant nocturnal frontal lobe epilepsy 5; Developmental and epileptic encephalopathy, 14. Last evaluated: 2023-06-06. Review status: criteria provided, single submitter. Criteria: Invitae Variant Classification Sherloc (09022015). Collection method: clinical testing. Allele origin: germline.
Comment: This sequence change replaces glutamine, which is neutral and polar, with histidine, which is basic and polar, at codon 427 of the KCNT1 protein (p.Gln427His). This variant is not present in population databases (gnomAD no frequency). This variant has not been reported in the literature in individuals affected with KCNT1-related conditions. Advanced modeling of protein sequence and biophysical properties (such as structural, functional, and spatial information, amino acid conservation, physicochemical variation, residue mobility, and thermodynamic stability) performed at Invitae indicates that this missense variant is not expected to disrupt KCNT1 protein function. In summary, the available evidence is currently insufficient to determine the role of this variant in disease. Therefore, it has been classified as a Variant of Uncertain Significance.